The following is an entry in ClinVar:

NM_013275.6(ANKRD11):c.5089C>T (p.Gln1697Ter)

Gene: ANKRD11 (ankyrin repeat domain 11; minus strand). Cytogenetic location: 16q24.3.
Variant type: single nucleotide variant.
Coding change: c.5089C>T on transcript NM_013275.6 (MANE Select); coding-DNA position 5089, C replaced by T.
Protein change: p.Gln1697Ter; replaces glutamine 1697 with a stop codon.
Molecular consequence: nonsense.
Genome position (GRCh38, 1-based): chr16:89,281,453, G>A on the plus strand (C>T on the coding strand, the complement: ANKRD11 is on the minus strand). VCF-style: chr16-89281453-G-A. GRCh37 (hg19) VCF-style: chr16-89347861-G-A.
Other names: c.5089C>T, p.Gln1697Ter (NM_001256182.2, NM_001256183.2); short protein forms Q1697*.
Identifiers: ClinVar variation 2431531 (VCV002431531.1), dbSNP rs2544229680, ClinGen allele CA397155673.

ClinVar aggregate classification (germline): Likely pathogenic (1 of 4 stars; one submission).

Conditions:
KBG syndrome (KBGS). Also called: ANKRD11-Related KBG Syndrome. Identifiers: Orphanet 2332, MedGen C0220687, MONDO:0007846, OMIM 148050.

Submission:

Laboratorio de Genetica e Diagnostico Molecular, Hospital Israelita Albert Einstein
Classification: Likely pathogenic for KBG syndrome. Last evaluated: 2022-11-11. Review status: criteria provided, single submitter. Criteria: ACMG Guidelines, 2015. Collection method: clinical testing. Allele origin: germline. Affected: yes. Observed: 1 variant allele.
Comment: ACMG classification criteria: PVS1 very strong, PM2 moderated